The following is an entry in ClinVar:

NM_000398.7(CYB5R3):c.906A>G (p.Ter302Trp)

Gene: CYB5R3 (cytochrome b5 reductase 3; minus strand). Cytogenetic location: 22q13.2.
Variant type: single nucleotide variant.
Coding change: c.906A>G on transcript NM_000398.7 (MANE Select); coding-DNA position 906, A replaced by G.
Protein change: p.Ter302Trp.
Molecular consequence: stop lost.
Genome position (GRCh38, 1-based): chr22:42,619,773, T>C on the plus strand (A>G on the coding strand, the complement: CYB5R3 is on the minus strand). VCF-style: chr22-42619773-T-C. GRCh37 (hg19) VCF-style: chr22-43015779-T-C.
Other names: c.906A>G, p.Ter302Trp (NM_001031678.1); c.837A>G, p.Ter279Trp (NM_001129819.2, NM_001171661.1, NM_007326.4); c.1005A>G, p.Ter335Trp (NM_001171660.2).
Identifiers: ClinVar variation 3024129 (VCV003024129.1), dbSNP rs2518880653, ClinGen allele CA411795796.

ClinVar aggregate classification (germline): Uncertain significance (0 of 4 stars; one submission).

Conditions:
Hereditary methemoglobinemia. Identifiers: Orphanet 621, MedGen C0272087, MONDO:0018963.

Allele frequency attached by ClinVar (database versions not stated): gnomAD exomes below 0.00001.
gnomAD v4.1: 1 of 1,576,844 alleles (0.000063%); highest among the groups gnomAD compares: Non-Finnish European, 0.000086%; no homozygotes.

Submission:

Department of Traditional Chinese Medicine, Fujian Provincial Hospital
Classification: Uncertain significance for Hereditary methemoglobinemia. Review status: no assertion criteria provided. Collection method: research. Allele origin: inherited.
Comment: This is considered to be due to the presence of Methemoglobinemia, type I. CYB5R3 NM:000398.7: c.906A>G (NP:000398.1: p. * 302Trpext * 42), this mutation is consistent with Likely Pathogenic according to ACMG score and has not been reported so far.

Literature cited by the submitters: DOI 10.1111/j.1365-2141.2008.07017.x.